The following is an entry in ClinVar:

ClinVar aggregate classification (germline): Pathogenic (1 of 4 stars; one submission).

Submission:

CeGaT Center for Human Genetics Tuebingen
Classification: Pathogenic. Last evaluated: 2026-05-01. Review status: criteria provided, single submitter. Criteria: CeGaT Center For Human Genetics Tuebingen Variant Classification Criteria Version 2. Collection method: clinical testing. Allele origin: germline. Affected: yes. Observed: 1 variant allele.
Comment: ABCB11: PVS1, PM2

NM_003742.4(ABCB11):c.390-2_404del

Gene: ABCB11 (ATP binding cassette subfamily B member 11; minus strand). Cytogenetic location: 2q31.1.
Variant type: Deletion.
Coding change: c.390-2_404del on transcript NM_003742.4 (MANE Select); the canonical splice acceptor site of the intron before coding-DNA position 390 through coding-DNA position 404, 17 bases deleted (AGGTTGCTGAACATCGA).
Molecular consequence: splice acceptor variant.
Genome position (GRCh38, 1-based): chr2:168,996,708-168,996,724, TCGATGTTCAGCAACCT deleted on the plus strand (AGGTTGCTGAACATCGA on the coding strand, the reverse complement: ABCB11 is on the minus strand); deleting any 17 consecutive bases within chr2:168,996,708-168,996,726 gives the same sequence; the c. name uses the placement nearest the transcript's 3' end. VCF-style (leftmost placement, unchanged base first): chr2-168996707-CTCGATGTTCAGCAACCT-C. GRCh37 (hg19) VCF-style: chr2-169853217-CTCGATGTTCAGCAACCT-C.
Identifiers: ClinVar variation 4875087 (VCV004875087.2).